The following is an entry in ClinVar:

ClinVar aggregate classification (germline): Uncertain significance (1 of 4 stars; one submission).

Conditions:
Parkinson disease 17 (PARK17). Also called: VPS35-Related Parkinson Disease. Identifiers: Orphanet 411602, MedGen C3280133, MONDO:0013625, OMIM 614203.

Submission:

Labcorp Genetics (formerly Invitae), Labcorp
Classification: Uncertain significance for Parkinson disease 17. Last evaluated: 2022-06-18. Review status: criteria provided, single submitter. Criteria: Invitae Variant Classification Sherloc (09022015). Collection method: clinical testing. Allele origin: germline.
Comment: In summary, the available evidence is currently insufficient to determine the role of this variant in disease. Therefore, it has been classified as a Variant of Uncertain Significance. Variants that disrupt the consensus splice site are a relatively common cause of aberrant splicing (PMID: 17576681, 9536098). Algorithms developed to predict the effect of sequence changes on RNA splicing suggest that this variant may disrupt the consensus splice site. This variant has not been reported in the literature in individuals affected with VPS35-related conditions. This variant is not present in population databases (gnomAD no frequency). This sequence change falls in intron 2 of the VPS35 gene. It does not directly change the encoded amino acid sequence of the VPS35 protein. It affects a nucleotide within the consensus splice site.

Literature cited by the submitters: PubMed 17576681; PubMed 9536098.

NM_018206.6(VPS35):c.102+4A>G

Gene: VPS35 (VPS35 retromer complex component; minus strand). Cytogenetic location: 16q11.2.
Variant type: single nucleotide variant.
Coding change: c.102+4A>G on transcript NM_018206.6 (MANE Select); 4 bases into the intron after coding-DNA position 102, A replaced by G.
Molecular consequence: intron variant.
Genome position (GRCh38, 1-based): chr16:46,683,504, T>C on the plus strand (A>G on the coding strand, the complement: VPS35 is on the minus strand). VCF-style: chr16-46683504-T-C. GRCh37 (hg19) VCF-style: chr16-46717416-T-C.
Identifiers: ClinVar variation 1953047 (VCV001953047.5), dbSNP rs1298926066, ClinGen allele CA720989220.
Genomic context (GRCh38, chr16:46,683,504, plus strand): 5'-CACTGCACATGCTTCCTTAGGAACACACGAACTGCAACTGTGCCTCCCACATCTCCATTC[T>C]TACCAGGCATCTCTTCATTTGGAATGACTGGACCTTCACAGCCTGTATGGCTTCATCCAA-3'